The following is an entry in ClinVar:

NM_032656.4(DHX37):c.2757G>C (p.Glu919Asp)

Gene: DHX37 (DEAH-box helicase 37; minus strand). Cytogenetic location: 12q24.31.
Variant type: single nucleotide variant.
Coding change: c.2757G>C on transcript NM_032656.4 (MANE Select); coding-DNA position 2757, G replaced by C.
Protein change: p.Glu919Asp; replaces glutamic acid 919 with aspartic acid.
Molecular consequence: missense variant.
Genome position (GRCh38, 1-based): chr12:124,952,509, C>G on the plus strand (G>C on the coding strand, the complement: DHX37 is on the minus strand). VCF-style: chr12-124952509-C-G. GRCh37 (hg19) VCF-style: chr12-125437055-C-G.
Other names: short protein forms E919D.
Identifiers: ClinVar variation 2124386 (VCV002124386.4), dbSNP rs760155036, ClinGen allele CA6871494.

ClinVar aggregate classification (germline): Uncertain significance (1 of 4 stars; one submission).

Allele frequency attached by ClinVar (database versions not stated): gnomAD 0.00001; TOPMed 0.00001; ExAC 0.00002.
gnomAD v4.1: 60 of 1,605,740 alleles (0.0037%); highest among the groups gnomAD compares: Admixed American, 0.005%; no homozygotes.

Submission:

Labcorp Genetics (formerly Invitae), Labcorp
Classification: Uncertain significance. Last evaluated: 2024-10-22. Review status: criteria provided, single submitter. Criteria: Invitae Variant Classification Sherloc (09022015). Collection method: clinical testing. Allele origin: germline.
Comment: This sequence change replaces glutamic acid, which is acidic and polar, with aspartic acid, which is acidic and polar, at codon 919 of the DHX37 protein (p.Glu919Asp). This variant is present in population databases (rs760155036, gnomAD 0.006%). This variant has not been reported in the literature in individuals affected with DHX37-related conditions. ClinVar contains an entry for this variant (Variation ID: 2124386). Invitae Evidence Modeling of protein sequence and biophysical properties (such as structural, functional, and spatial information, amino acid conservation, physicochemical variation, residue mobility, and thermodynamic stability) indicates that this missense variant is not expected to disrupt DHX37 protein function with a negative predictive value of 80%. In summary, the available evidence is currently insufficient to determine the role of this variant in disease. Therefore, it has been classified as a Variant of Uncertain Significance.